The following is an entry in ClinVar:

ClinVar aggregate classification (germline): Uncertain significance (1 of 4 stars; one submission).

Conditions:
Ornithine carbamoyltransferase deficiency (OTCD). Also called: ORNITHINE TRANSCARBAMYLASE DEFICIENCY, HYPERAMMONEMIA DUE TO; ORNITHINE TRANSCARBAMYLASE DEFICIENCY; OTC DEFICIENCY; Ornithine Carbamoyltransferase Deficiency Disease. Identifiers: Orphanet 664, MedGen C0268542, MONDO:0010703, OMIM 311250.

Submission:

Labcorp Genetics (formerly Invitae), Labcorp
Classification: Uncertain significance for Ornithine carbamoyltransferase deficiency. Last evaluated: 2024-02-23. Review status: criteria provided, single submitter. Criteria: Invitae Variant Classification Sherloc (09022015). Collection method: clinical testing. Allele origin: germline.
Comment: This sequence change replaces leucine, which is neutral and non-polar, with phenylalanine, which is neutral and non-polar, at codon 103 of the OTC protein (p.Leu103Phe). This variant is not present in population databases (gnomAD no frequency). This variant has not been reported in the literature in individuals affected with OTC-related conditions. ClinVar contains an entry for this variant (Variation ID: 579048). Advanced modeling of protein sequence and biophysical properties (such as structural, functional, and spatial information, amino acid conservation, physicochemical variation, residue mobility, and thermodynamic stability) performed at Invitae indicates that this missense variant is expected to disrupt OTC protein function with a positive predictive value of 95%. In summary, the available evidence is currently insufficient to determine the role of this variant in disease. Therefore, it has been classified as a Variant of Uncertain Significance.

NM_000531.6(OTC):c.307C>T (p.Leu103Phe)

Gene: OTC (ornithine transcarbamylase; plus strand). Cytogenetic location: Xp11.4.
Variant type: single nucleotide variant.
Coding change: c.307C>T on transcript NM_000531.6 (MANE Select); coding-DNA position 307, C replaced by T.
Protein change: p.Leu103Phe; replaces leucine 103 with phenylalanine.
Molecular consequence: missense variant.
Genome position (GRCh38, 1-based): chrX:38,381,350, C>T. VCF-style: chrX-38381350-C-T. GRCh37 (hg19) VCF-style: chrX-38240603-C-T.
Other names: short protein forms L103F.
Identifiers: ClinVar variation 579048 (VCV000579048.11), dbSNP rs779154479, ClinGen allele CA412718229.
Genomic context (GRCh38, chrX:38,381,350, plus strand): 5'-TCCACTTTAGTTGTTTTTTCAAAATGATTTTTTTCTTTTTTTTTTATTGTAGGCTTTGCA[C>T]TTCTGGGAGGACATCCTTGTTTTCTTACCACACAAGATATTCATTTGGGTGTGAATGAAA-3'
Protein context (NP_000522.3, residues 93-113): TRLSTETGFA[Leu103Phe]LGGHPCFLTT